The following is an entry in ClinVar:

NM_138694.4(PKHD1):c.6870G>A (p.Trp2290Ter)

Gene: PKHD1 (PKHD1 ciliary IPT domain containing fibrocystin/polyductin; minus strand). Cytogenetic location: 6p12.2.
Variant type: single nucleotide variant.
Coding change: c.6870G>A on transcript NM_138694.4 (MANE Select); coding-DNA position 6870, G replaced by A.
Protein change: p.Trp2290Ter; replaces tryptophan 2290 with a stop codon.
Molecular consequence: nonsense.
Genome position (GRCh38, 1-based): chr6:51,903,723, C>T on the plus strand (G>A on the coding strand, the complement: PKHD1 is on the minus strand). VCF-style: chr6-51903723-C-T. GRCh37 (hg19) VCF-style: chr6-51768521-C-T.
Other names: c.6870G>A, p.Trp2290Ter (NM_170724.3); short protein forms W2290*.
Identifiers: ClinVar variation 2677818 (VCV002677818.2), dbSNP rs868153877, ClinGen allele CA138907802.
Genomic context (GRCh38, chr6:51,903,723, plus strand): 5'-TCCCTCGGCACCAGAAACCTGGATGATCACGTTGTTTCTTATTATATTTCCATGTCCTGA[C>T]CAGTCTAATGTTTCAACAAATCCAGGGGATCCACAAACATAATTAAAATGTACTCAACTC-3'

ClinVar aggregate classification (germline): Pathogenic/Likely pathogenic. Review status: criteria provided, multiple submitters, no conflicts (2 of 4 stars). 2 submissions from 2 submitters: Pathogenic (1); Likely pathogenic (1). Last evaluated 2023-09-30.

Conditions:
Polycystic kidney disease 4 (PKD4). Also called: POLYCYSTIC KIDNEY AND HEPATIC DISEASE 1; POLYCYSTIC KIDNEY DISEASE, INFANTILE, TYPE I; PKD3; POLYCYSTIC KIDNEY DISEASE 4 WITH OR WITHOUT POLYCYSTIC LIVER DISEASE; Autosomal Recessive Polycystic Kidney Disease – PKHD1. Identifiers: MedGen C4540575, MONDO:0033004, OMIM 263200.

Submissions (2):

Myriad Genetics, Inc.
Classification: Pathogenic for Polycystic kidney disease 4. Last evaluated: 2023-09-30. Review status: criteria provided, single submitter. Criteria: Myriad Autosomal Dominant, Autosomal Recessive and X-Linked Classification Criteria (2023). Collection method: clinical testing. Allele origin: unknown.
Comment: NM_138694.3(PKHD1):c.6870G>A(W2290*) is expected to be pathogenic in the context of autosomal recessive polycystic kidney disease, PKHD1-related. This variant is predicted to lead to an abnormal or absent protein product due to the creation of a premature termination codon in PKHD1, a gene where loss-of-function variants are known to be pathogenic. Please note: this variant was assessed in the context of healthy population screening.

Baylor Genetics
Classification: Likely pathogenic for Polycystic kidney disease 4. Last evaluated: 2023-04-12. Review status: criteria provided, single submitter. Criteria: ACMG Guidelines, 2015. Collection method: clinical testing. Allele origin: unknown.